The following is an entry in ClinVar:

NM_004369.4(COL6A3):c.5315A>G (p.Lys1772Arg)

Gene: COL6A3 (collagen type VI alpha 3 chain; minus strand). Cytogenetic location: 2q37.3.
Variant type: single nucleotide variant.
Coding change: c.5315A>G on transcript NM_004369.4 (MANE Select); coding-DNA position 5315, A replaced by G.
Protein change: p.Lys1772Arg; replaces lysine 1772 with arginine.
Molecular consequence: missense variant.
Genome position (GRCh38, 1-based): chr2:237,366,872, T>C on the plus strand (A>G on the coding strand, the complement: COL6A3 is on the minus strand). VCF-style: chr2-237366872-T-C. GRCh37 (hg19) VCF-style: chr2-238275515-T-C.
Other names: p.Lys1772Arg; c.3494A>G, p.Lys1165Arg (NM_057166.5); c.4697A>G, p.Lys1566Arg (NM_057167.4); short protein forms K1772R, K1165R, K1566R.
Identifiers: ClinVar variation 596429 (VCV000596429.8), dbSNP rs140929211, ClinGen allele CA2188698.

ClinVar aggregate classification (germline): Uncertain significance. Review status: criteria provided, multiple submitters, no conflicts (2 of 4 stars). 3 submissions from 3 submitters: Uncertain significance (3). Last evaluated 2024-08-31.

Conditions:
Bethlem myopathy 1A. Also called: Bethlem Muscular Dystrophy; Bethlem myopathy 1; MYOPATHY, BENIGN CONGENITAL, WITH CONTRACTURES. Identifiers: Orphanet 610, MedGen CN029274, MONDO:0024530, OMIM 158810.

Allele frequency attached by ClinVar (database versions not stated): gnomAD exomes below 0.00001; ExAC 0.00001; gnomAD 0.00002 and 0.00003; TOPMed 0.00002; ESP Exome Variant Server 0.00015.
gnomAD v4.1: 8 of 1,614,114 alleles (0.0005%); highest among the groups gnomAD compares: African/African-American, 0.0093%; no homozygotes.

Submissions (3):

Labcorp Genetics (formerly Invitae), Labcorp
Classification: Uncertain significance for Bethlem myopathy 1A. Last evaluated: 2024-08-31. Review status: criteria provided, single submitter. Criteria: Invitae Variant Classification Sherloc (09022015). Collection method: clinical testing. Allele origin: germline.
Comment: This sequence change replaces lysine, which is basic and polar, with arginine, which is basic and polar, at codon 1772 of the COL6A3 protein (p.Lys1772Arg). This variant is present in population databases (rs140929211, gnomAD 0.007%). This variant has not been reported in the literature in individuals affected with COL6A3-related conditions. ClinVar contains an entry for this variant (Variation ID: 596429). Invitae Evidence Modeling of protein sequence and biophysical properties (such as structural, functional, and spatial information, amino acid conservation, physicochemical variation, residue mobility, and thermodynamic stability) indicates that this missense variant is not expected to disrupt COL6A3 protein function with a negative predictive value of 80%. In summary, the available evidence is currently insufficient to determine the role of this variant in disease. Therefore, it has been classified as a Variant of Uncertain Significance.

Mayo Clinic Laboratories, Mayo Clinic
Classification: Uncertain significance. Last evaluated: 2024-03-01. Review status: criteria provided, single submitter. Criteria: ACMG Guidelines, 2015. Collection method: clinical testing. Allele origin: germline. Observed: 1 variant allele.
Comment: PM2_moderate

Eurofins Ntd Llc (ga)
Classification: Uncertain significance. Last evaluated: 2018-03-15. Review status: criteria provided, single submitter. Criteria: EGL ClinVar v180209 classification definitions. Collection method: clinical testing. Allele origin: germline. Observed: 1 variant allele, 1 heterozygote.